The following is an entry in ClinVar:

NM_001375524.1(TRRAP):c.3004A>G (p.Ile1002Val)

Gene: TRRAP (transformation/transcription domain associated protein; plus strand). Cytogenetic location: 7q22.1.
Variant type: single nucleotide variant.
Coding change: c.3004A>G on transcript NM_001375524.1 (MANE Select); coding-DNA position 3004, A replaced by G.
Protein change: p.Ile1002Val; replaces isoleucine 1002 with valine.
Molecular consequence: missense variant.
Genome position (GRCh38, 1-based): chr7:98,927,195, A>G. VCF-style: chr7-98927195-A-G. GRCh37 (hg19) VCF-style: chr7-98524818-A-G.
Other names: c.3004A>G (NM_001244580.1, NM_003496.3); c.3004A>G, p.Ile1002Val (NM_001244580.2, NM_003496.4); short protein forms I1002V.
Identifiers: ClinVar variation 1943692 (VCV001943692.7), dbSNP rs782451280, ClinGen allele CA4359911.
Genomic context (GRCh38, chr7:98,927,195, plus strand): 5'-GTCGTGACACCAGATCTGATTTTGCCTTTCAGCTTTACAGAAAAGACCATCCCCAATGTT[A>G]TCATCTCACATCGCTACAAAGCCCAGGACACTCCAGCCCGGAAGACTTTTGAGCAGGCCC-3'
Protein context (NP_001362453.1, residues 992-1012): NFTEKTIPNV[Ile1002Val]ISHRYKAQDT

ClinVar aggregate classification (germline): Uncertain significance. Review status: criteria provided, multiple submitters, no conflicts (2 of 4 stars). 3 submissions from 3 submitters: Uncertain significance (3). Last evaluated 2026-08-12.

Conditions:
Inborn genetic diseases. Identifiers: MedGen C0950123, MeSH D030342.
TRRAP-related disorder. Also called: TRRAP-related condition.

Allele frequency attached by ClinVar (database versions not stated): ExAC 0.00001; gnomAD 0.00001; TOPMed 0.00001; gnomAD exomes 0.00003.
gnomAD v4.1: 47 of 1,614,102 alleles (0.0029%); highest among the groups gnomAD compares: Non-Finnish European, 0.0039%; no homozygotes.

Submissions (3):

PreventionGenetics, part of Exact Sciences
Classification: Uncertain significance for TRRAP-related condition. Last evaluated: 2026-08-12. Review status: criteria provided, single submitter. Criteria: ACMG Guidelines, 2015. Collection method: clinical testing. Allele origin: germline.
Comment: The TRRAP c.3004A>G variant is predicted to result in the amino acid substitution p.Ile1002Val. To our knowledge, this variant has not been reported in the literature or in a large population database (gnomAD), indicating this variant is rare. At this time, the clinical significance of this variant is uncertain due to the absence of conclusive functional and genetic evidence.

Labcorp Genetics (formerly Invitae), Labcorp
Classification: Uncertain significance. Last evaluated: 2025-04-21. Review status: criteria provided, single submitter. Criteria: Invitae Variant Classification Sherloc (09022015). Collection method: clinical testing. Allele origin: germline.
Comment: This sequence change replaces isoleucine, which is neutral and non-polar, with valine, which is neutral and non-polar, at codon 1002 of the TRRAP protein (p.Ile1002Val). This variant is present in population databases (rs782451280, gnomAD 0.002%). This variant has not been reported in the literature in individuals affected with TRRAP-related conditions. ClinVar contains an entry for this variant (Variation ID: 1943692). Invitae Evidence Modeling of protein sequence and biophysical properties (such as structural, functional, and spatial information, amino acid conservation, physicochemical variation, residue mobility, and thermodynamic stability) indicates that this missense variant is not expected to disrupt TRRAP protein function with a negative predictive value of 80%. In summary, the available evidence is currently insufficient to determine the role of this variant in disease. Therefore, it has been classified as a Variant of Uncertain Significance.

Ambry Genetics
Classification: Uncertain significance for Inborn genetic diseases. Last evaluated: 2024-04-01. Review status: criteria provided, single submitter. Criteria: Ambry Variant Classification Scheme 2023. Collection method: clinical testing. Allele origin: germline.